The following is an entry in ClinVar:

ClinVar aggregate classification (germline): Benign. Review status: criteria provided, multiple submitters, no conflicts (2 of 4 stars). 2 submissions from 2 submitters: Benign (2). Last evaluated 2018-01-13.

Conditions:
Progressive myoclonic epilepsy. Also called: Progressive myoclonus epilepsy; Familial progressive myoclonic epilepsy; Myoclonus epilepsy; Myoclonic Epilepsies, Progressive. Identifiers: Orphanet 308, Orphanet 98261, MedGen C0751778, MONDO:0020074.

Allele frequency attached by ClinVar (database versions not stated): TOPMed 0.51031; gnomAD 0.54681; 1000 Genomes Project 30x 0.57074; 1000 Genomes Project 0.58167; gnomAD exomes 0.58571.
gnomAD v4.1: 80,460 of 152,086 alleles (53%); highest among the groups gnomAD compares: East Asian, 81%; 22,217 homozygotes.

Submissions (2):

Illumina Laboratory Services, Illumina
Classification: Benign for Progressive myoclonic epilepsy. Last evaluated: 2018-01-13. Review status: criteria provided, single submitter. Criteria: ICSL Variant Classification Criteria 13 December 2019. Collection method: clinical testing. Allele origin: germline.
Comment: This variant was observed in the ICSL laboratory as part of a predisposition screen in an ostensibly healthy population. It had not been previously curated by ICSL or reported in the Human Gene Mutation Database (HGMD: prior to June 1st, 2018), and was therefore a candidate for classification through an automated scoring system. Utilizing variant allele frequency, disease prevalence and penetrance estimates, and inheritance mode, an automated score was calculated to assess if this variant is too frequent to cause the disease. Based on the score and internal cut-off values, a variant classified as benign is not then subjected to further curation. The score for this variant resulted in a classification of benign for this disease.

Breakthrough Genomics
Classification: Benign. Review status: criteria provided, single submitter. Criteria: ACMG Guidelines, 2015. Collection method: not provided. Allele origin: germline. Inheritance: Unknown mechanism. Affected: yes.

NM_198859.4(PRICKLE2):c.*695A>C

Genes: PRICKLE2 (prickle planar cell polarity protein 2; minus strand), PRICKLE2-AS1 (PRICKLE2 antisense RNA 1; plus strand). Cytogenetic location: 3p14.1.
Variant type: single nucleotide variant.
Coding change: c.*695A>C on transcript NM_198859.4 (MANE Select); 695 bases downstream of the stop codon, A replaced by C.
Molecular consequence: 3 prime UTR variant. On other transcripts: non-coding transcript variant (1).
Genome position (GRCh38, 1-based): chr3:64,098,356, T>G on the plus strand (A>C on the coding strand, the complement: PRICKLE2 is on the minus strand). VCF-style: chr3-64098356-T-G. GRCh37 (hg19) VCF-style: chr3-64084032-T-G.
Other names: c.*695A>C (NM_001370528.1).
Identifiers: ClinVar variation 346462 (VCV000346462.6), dbSNP rs26937, ClinGen allele CA10619373.